The following is an entry in ClinVar:

ClinVar aggregate classification (germline): Conflicting classifications of pathogenicity. Review status: criteria provided, conflicting classifications (1 of 4 stars). 2 submissions from 2 submitters: Uncertain significance (1); Likely benign (1). Last evaluated 2025-12-04.

gnomAD v4.1: 27 of 1,585,214 alleles (0.0017%); highest among the groups gnomAD compares: Middle Eastern, 0.033%; 5 homozygotes.

Submissions (2):

Ambry Genetics
Classification: Uncertain significance. Last evaluated: 2025-12-04. Review status: criteria provided, single submitter. Criteria: Ambry Variant Classification Scheme 2023. Collection method: clinical testing. Allele origin: germline.

CeGaT Center for Human Genetics Tuebingen
Classification: Likely benign. Last evaluated: 2022-06-01. Review status: criteria provided, single submitter. Criteria: CeGaT Center For Human Genetics Tuebingen Variant Classification Criteria Version 2. Collection method: clinical testing. Allele origin: germline. Affected: yes. Observed: 1 variant allele.
Comment: AHNAK2: BP4, BS2

NM_138420.4(AHNAK2):c.4786A>C (p.Ile1596Leu)

Gene: AHNAK2 (AHNAK nucleoprotein 2; minus strand). Cytogenetic location: 14q32.33.
Variant type: single nucleotide variant.
Coding change: c.4786A>C on transcript NM_138420.4 (MANE Select); coding-DNA position 4786, A replaced by C.
Protein change: p.Ile1596Leu; replaces isoleucine 1596 with leucine.
Molecular consequence: missense variant.
Genome position (GRCh38, 1-based): chr14:104,950,665, T>G on the plus strand (A>C on the coding strand, the complement: AHNAK2 is on the minus strand). VCF-style: chr14-104950665-T-G. GRCh37 (hg19) VCF-style: chr14-105417002-T-G.
Other names: c.4486A>C, p.Ile1496Leu (NM_001350929.2); c.4786A>C (NM_138420.2); short protein forms I1496L, I1596L.
Identifiers: ClinVar variation 2644817 (VCV002644817.24), dbSNP rs759856167, ClinGen allele CA7382225.
Genomic context (GRCh38, chr14:104,950,665, plus strand): 5'-CGGGGGCTGTCACTTCCACCTTGGGGCCTTTCAGGTCCAGCTTGGGGCCCTTAACATCTA[T>G]CTGGGGCCCCTTGAGGTCCACTTTGGGCATCTTGAAACTGGGCATCTGCACTTTGGGCAG-3'
Protein context (NP_612429.2, residues 1586-1606): MPKVDLKGPQ[Ile1596Leu]DVKGPKLDLK